The following is an entry in ClinVar:

NM_002103.5(GYS1):c.2198G>A (p.Gly733Asp)

Gene: GYS1 (glycogen synthase 1; minus strand). Cytogenetic location: 19q13.33.
Variant type: single nucleotide variant.
Coding change: c.2198G>A on transcript NM_002103.5 (MANE Select); coding-DNA position 2198, G replaced by A.
Protein change: p.Gly733Asp; replaces glycine 733 with aspartic acid.
Molecular consequence: missense variant. On other transcripts: non-coding transcript variant (1).
Genome position (GRCh38, 1-based): chr19:48,969,304, C>T on the plus strand (G>A on the coding strand, the complement: GYS1 is on the minus strand). VCF-style: chr19-48969304-C-T. GRCh37 (hg19) VCF-style: chr19-49472561-C-T.
Other names: c.2006G>A, p.Gly669Asp (NM_001161587.2); short protein forms G669D, G733D.
Identifiers: ClinVar variation 1469381 (VCV001469381.6), dbSNP rs2122451107, ClinGen allele CA406759018.

ClinVar aggregate classification (germline): Uncertain significance (1 of 4 stars; one submission).

Conditions:
Glycogen storage disease due to muscle and heart glycogen synthase deficiency. Also called: GSD 0b; MUSCLE GLYCOGEN SYNTHASE DEFICIENCY. Identifiers: Orphanet 137625, MedGen C1969054, MONDO:0012693, OMIM 611556.

Submission:

Labcorp Genetics (formerly Invitae), Labcorp
Classification: Uncertain significance for Glycogen storage disease due to muscle and heart glycogen synthase deficiency. Last evaluated: 2021-10-21. Review status: criteria provided, single submitter. Criteria: Invitae Variant Classification Sherloc (09022015). Collection method: clinical testing. Allele origin: germline.
Comment: Algorithms developed to predict the effect of missense changes on protein structure and function are either unavailable or do not agree on the potential impact of this missense change (SIFT: "Deleterious"; PolyPhen-2: "Not Available"; Align-GVGD: "Class C0"). In summary, the available evidence is currently insufficient to determine the role of this variant in disease. Therefore, it has been classified as a Variant of Uncertain Significance. This variant has not been reported in the literature in individuals affected with GYS1-related conditions. This variant is not present in population databases (ExAC no frequency). This sequence change replaces glycine with aspartic acid at codon 733 of the GYS1 protein (p.Gly733Asp). The glycine residue is moderately conserved and there is a moderate physicochemical difference between glycine and aspartic acid.